The following is an entry in ClinVar:

NM_000465.4(BARD1):c.1658C>T (p.Ser553Leu)

Gene: BARD1 (BRCA1 associated RING domain 1; minus strand). Cytogenetic location: 2q35.
Variant type: single nucleotide variant.
Coding change: c.1658C>T on transcript NM_000465.4 (MANE Select); coding-DNA position 1658, C replaced by T.
Protein change: p.Ser553Leu; replaces serine 553 with leucine.
Molecular consequence: missense variant. On other transcripts: non-coding transcript variant (3), intron variant (1).
Genome position (GRCh38, 1-based): chr2:214,752,466, G>A on the plus strand (C>T on the coding strand, the complement: BARD1 is on the minus strand). VCF-style: chr2-214752466-G-A. GRCh37 (hg19) VCF-style: chr2-215617190-G-A.
Other names: c.1601C>T, p.Ser534Leu (NM_001282543.2); c.305C>T, p.Ser102Leu (NM_001282545.2); c.248C>T, p.Ser83Leu (NM_001282548.2); c.365-21958C>T (NM_001282549.2); short protein forms S553L, S83L, S102L, S534L.
Identifiers: ClinVar variation 2858091 (VCV002858091.3), dbSNP rs2469377733, ClinGen allele CA350454606.

ClinVar aggregate classification (germline): Uncertain significance (1 of 4 stars; one submission).

Conditions:
Familial cancer of breast. Also called: Hereditary breast cancer; BREAST CANCER, FAMILIAL; hereditary breast carcinoma. Identifiers: Orphanet 227535, MedGen C0346153, MONDO:0016419, OMIM 114480. Disease mechanism: loss of function.

Submission:

Labcorp Genetics (formerly Invitae), Labcorp
Classification: Uncertain significance for Familial cancer of breast. Last evaluated: 2026-01-10. Review status: criteria provided, single submitter. Criteria: Invitae Variant Classification Sherloc (09022015). Collection method: clinical testing. Allele origin: germline.
Comment: This sequence change replaces serine, which is neutral and polar, with leucine, which is neutral and non-polar, at codon 553 of the BARD1 protein (p.Ser553Leu). This variant is not present in population databases (gnomAD no frequency). This variant has not been reported in the literature in individuals affected with BARD1-related conditions. ClinVar contains an entry for this variant (Variation ID: 2858091). An algorithm developed to predict the effect of missense changes on protein structure and function (PolyPhen-2) suggests that this variant is likely to be tolerated. In summary, the available evidence is currently insufficient to determine the role of this variant in disease. Therefore, it has been classified as a Variant of Uncertain Significance.